The following is an entry in ClinVar:

NM_007294.4(BRCA1):c.4995_5007dup (p.Arg1670fs)

Gene: BRCA1 (BRCA1 DNA repair associated; minus strand). Cytogenetic location: 17q21.31.
Variant type: Duplication.
Coding change: c.4995_5007dup on transcript NM_007294.4 (MANE Select); coding-DNA positions 4995 to 5007, 13 bases duplicated (GTACAAGTTTGCC).
Protein change: p.Arg1670fs; shifts the reading frame from arginine 1670.
Molecular consequence: frameshift variant. On other transcripts: non-coding transcript variant (1).
Genome position (GRCh38, 1-based): chr17:43,067,675-43,067,687, GGCAAACTTGTAC duplicated on the plus strand (GTACAAGTTTGCC on the coding strand, the reverse complement: BRCA1 is on the minus strand). VCF-style (leftmost placement, unchanged base first): chr17-43067674-T-TGGCAAACTTGTAC. GRCh37 (hg19) VCF-style: chr17-41219691-T-TGGCAAACTTGTAC.
Other names: 5126ins13; c.1560_1572dup, p.Arg525Valfs (NM_001408440.1, NM_001408441.1, NM_001408442.1 and 10 more transcripts); c.1557_1569dup, p.Arg524Valfs (NM_001408445.1, NM_001408446.1, NM_001408447.1 and 2 more transcripts); c.1551_1563dup, p.Arg522Valfs (NM_001408451.1); c.1545_1557dup, p.Arg520Valfs (NM_001408452.1, NM_001408453.1, NM_001408454.1 and 3 more transcripts); c.1542_1554dup, p.Arg519Valfs (NM_001408458.1, NM_001408459.1, NM_001408460.1 and 7 more transcripts); c.1539_1551dup, p.Arg518Valfs (NM_001408468.1, NM_001408469.1, NM_001408470.1); c.1683_1695dup, p.Arg566Valfs (NM_001408472.1, NM_007298.4, NM_007304.2 and 12 more transcripts); and 74 more; short protein forms R1670fs, R1623fs, R1691fs, R566fs.
Identifiers: ClinVar variation 266507 (VCV000266507.7), dbSNP rs1555579747, ClinGen allele CA10589634.

ClinVar aggregate classification (germline): Pathogenic. Review status: reviewed by expert panel (3 of 4 stars). 2 submissions from 2 submitters: Pathogenic (1). 1 of the submissions does not count toward it. Last evaluated 2016-10-18.

Conditions:
Breast-ovarian cancer, familial, susceptibility to, 1 (BROVCA1). Also called: BRCA1 Hereditary Breast and Ovarian Cancer; OVARIAN CANCER, SUSCEPTIBILITY TO. Identifiers: Orphanet 145, MedGen C2676676, MONDO:0011450, OMIM 604370. Disease mechanism: loss of function.

Submissions (2):

Evidence-based Network for the Interpretation of Germline Mutant Alleles (ENIGMA)
Classification: Pathogenic for Breast-ovarian cancer, familial, susceptibility to, 1. Last evaluated: 2016-10-18. Review status: reviewed by expert panel. Criteria: ENIGMA BRCA1/2 Classification Criteria (2015). Collection method: curation. Allele origin: germline.
Comment: Variant allele predicted to encode a truncated non-functional protein.

Consortium of Investigators of Modifiers of BRCA1/2 (CIMBA), c/o University of Cambridge
Classification: Pathogenic for Breast-ovarian cancer, familial, susceptibility to, 1. Last evaluated: 2015-10-02. Review status: criteria provided, single submitter. Criteria: CIMBA Mutation Classification guidelines May 2016. Collection method: clinical testing. Allele origin: germline. Not counted in ClinVar's aggregate classification.